The following is an entry in ClinVar:

NM_002691.4(POLD1):c.2792del (p.Lys931fs)

Gene: POLD1 (DNA polymerase delta 1, catalytic subunit; plus strand). Cytogenetic location: 19q13.33.
Variant type: Deletion.
Coding change: c.2792del on transcript NM_002691.4 (MANE Select); coding-DNA position 2792, one base deleted (A; older notation c.2792delA).
Protein change: p.Lys931fs; shifts the reading frame from lysine 931.
Molecular consequence: frameshift variant.
Genome position (GRCh38, 1-based): chr19:50,415,798, A deleted; the last of 2 consecutive A bases (chr19:50,415,797-50,415,798); deleting either gives the same sequence. VCF-style (leftmost placement, unchanged base first): chr19-50415796-CA-C. GRCh37 (hg19) VCF-style: chr19-50919053-CA-C.
Other names: c.2792del, p.Lys931fs (NM_001256849.1); c.2870del, p.Lys957fs (NM_001308632.1); short protein forms K957fs, K931fs.
Identifiers: ClinVar variation 3935556 (VCV003935556.1).

ClinVar aggregate classification (germline): Uncertain significance (1 of 4 stars; one submission).

Conditions:
Hereditary cancer-predisposing syndrome. Also called: Tumor predisposition; Hereditary neoplastic syndrome; Hereditary Cancer Syndrome; Neoplastic Syndromes, Hereditary. Identifiers: Orphanet 140162, MedGen C0027672, MeSH D009386, MONDO:0015356.

Submission:

Ambry Genetics
Classification: Uncertain significance for Hereditary cancer-predisposing syndrome. Last evaluated: 2025-05-06. Review status: criteria provided, single submitter. Criteria: Ambry Variant Classification Scheme 2023. Collection method: clinical testing. Allele origin: germline.
Comment: The c.2792delA variant, located in coding exon 21 of the POLD1 gene, results from a deletion of one nucleotide at nucleotide position 2792, causing a translational frameshift with a predicted alternate stop codon (p.K931Rfs*7). This alteration is expected to result in protein truncation or nonsense-mediated mRNA decay. However, loss of function of POLD1 has not been established as a mechanism of disease. Based on the available evidence, the clinical significance of this alteration remains unclear.